The following is an entry in ClinVar:

NM_005591.4(MRE11):c.1892C>T (p.Pro631Leu)

Gene: MRE11 (MRE11 double strand break repair nuclease; minus strand). Cytogenetic location: 11q21.
Variant type: single nucleotide variant.
Coding change: c.1892C>T on transcript NM_005591.4 (MANE Select); coding-DNA position 1892, C replaced by T.
Protein change: p.Pro631Leu; replaces proline 631 with leucine.
Molecular consequence: missense variant.
Genome position (GRCh38, 1-based): chr11:94,437,211, G>A on the plus strand (C>T on the coding strand, the complement: MRE11 is on the minus strand). VCF-style: chr11-94437211-G-A. GRCh37 (hg19) VCF-style: chr11-94170377-G-A.
Other names: c.1808C>T, p.Pro603Leu (NM_005590.4); c.1889C>T, p.Pro630Leu (NM_001330347.2); short protein forms P603L, P630L, P631L.
Identifiers: ClinVar variation 1800328 (VCV001800328.2), dbSNP rs1555002427, ClinGen allele CA382374776.

ClinVar aggregate classification (germline): Uncertain significance (1 of 4 stars; one submission).

Conditions:
Hereditary cancer-predisposing syndrome. Also called: Neoplastic Syndromes, Hereditary; Tumor predisposition; Hereditary Cancer Syndrome; Hereditary neoplastic syndrome. Identifiers: Orphanet 140162, MedGen C0027672, MeSH D009386, MONDO:0015356.

Submission:

Ambry Genetics
Classification: Uncertain significance for Hereditary cancer-predisposing syndrome. Last evaluated: 2018-02-26. Review status: criteria provided, single submitter. Criteria: Ambry Variant Classification Scheme 2023. Collection method: clinical testing. Allele origin: germline.
Comment: The p.P631L variant (also known as c.1892C>T), located in coding exon 16 of the MRE11A gene, results from a C to T substitution at nucleotide position 1892. The proline at codon 631 is replaced by leucine, an amino acid with similar properties. This amino acid position is highly conserved in available vertebrate species. In addition, the in silico prediction for this alteration is inconclusive. Since supporting evidence is limited at this time, the clinical significance of this alteration remains unclear.